The following is an entry in ClinVar:

NM_000038.6(APC):c.4960G>A (p.Ala1654Thr)

Gene: APC (APC regulator of Wnt signaling pathway; plus strand). Cytogenetic location: 5q22.2.
Variant type: single nucleotide variant.
Coding change: c.4960G>A on transcript NM_000038.6 (MANE Select); coding-DNA position 4960, G replaced by A.
Protein change: p.Ala1654Thr; replaces alanine 1654 with threonine.
Molecular consequence: missense variant. On other transcripts: non-coding transcript variant (2).
Genome position (GRCh38, 1-based): chr5:112,840,554, G>A. VCF-style: chr5-112840554-G-A. GRCh37 (hg19) VCF-style: chr5-112176251-G-A.
Other names: c.4960G>A, p.Ala1654Thr (NM_001127510.3, NM_001354895.2, NM_001407450.1); c.4906G>A, p.Ala1636Thr (NM_001127511.3); c.5014G>A, p.Ala1672Thr (NM_001354896.2, NM_001407447.1, NM_001407448.1 and 1 more transcripts); c.4990G>A, p.Ala1664Thr (NM_001354897.2); c.4885G>A, p.Ala1629Thr (NM_001354898.2); c.4876G>A, p.Ala1626Thr (NM_001354899.2); c.4837G>A, p.Ala1613Thr (NM_001354900.2); c.4783G>A, p.Ala1595Thr (NM_001354901.2, NM_001407453.1); and 11 more; short protein forms A1270T, A1371T, A1528T, A1571T, A1647T, A1672T, A1553T, A1595T.
Identifiers: ClinVar variation 3693694 (VCV003693694.2).

ClinVar aggregate classification (germline): Uncertain significance (1 of 4 stars; one submission).

Conditions:
Familial adenomatous polyposis 1 (FAP1). Also called: FAMILIAL ADENOMATOUS POLYPOSIS 1, ATTENUATED; POLYPOSIS, ADENOMATOUS INTESTINAL. Identifiers: MedGen C2713442, MONDO:0021056, OMIM 175100. Disease mechanism: loss of function.

Submission:

Labcorp Genetics (formerly Invitae), Labcorp
Classification: Uncertain significance for Familial adenomatous polyposis 1. Last evaluated: 2024-08-21. Review status: criteria provided, single submitter. Criteria: Invitae Variant Classification Sherloc (09022015). Collection method: clinical testing. Allele origin: germline.
Comment: This sequence change replaces alanine, which is neutral and non-polar, with threonine, which is neutral and polar, at codon 1654 of the APC protein (p.Ala1654Thr). This variant is not present in population databases (gnomAD no frequency). This variant has not been reported in the literature in individuals affected with APC-related conditions. Invitae Evidence Modeling of protein sequence and biophysical properties (such as structural, functional, and spatial information, amino acid conservation, physicochemical variation, residue mobility, and thermodynamic stability) indicates that this missense variant is not expected to disrupt APC protein function with a negative predictive value of 95%. In summary, the available evidence is currently insufficient to determine the role of this variant in disease. Therefore, it has been classified as a Variant of Uncertain Significance.